The following is an entry in ClinVar:

ClinVar aggregate classification (germline): Likely pathogenic (1 of 4 stars; one submission).

Conditions:
Alopecia universalis congenita (ALUNC). Also called: ATRICHIA, GENERALIZED. Identifiers: Orphanet 701, MedGen C1859877, MONDO:0008757, OMIM 203655.
Atrichia with papular lesions (APL). Also called: PAPULAR ATRICHIA. Identifiers: Orphanet 86819, MedGen C1859592, MONDO:0008847, OMIM 209500.

Submission:

Intergen Genetics and Rare Diseases Diagnosis Center
Classification: Likely pathogenic for Alopecia universalis congenita; Atrichia with papular lesions. Last evaluated: 2024-12-05. Review status: criteria provided, single submitter. Criteria: ACMG Guidelines, 2015. Collection method: clinical testing. Allele origin: biparental. Inheritance: Autosomal recessive inheritance. Affected: yes. Observed: 1 homozygote.
Comment: Clinical features are compatible with the disease.

NM_005144.5(HR):c.3199del (p.Arg1067fs)

Gene: HR (HR lysine demethylase and nuclear receptor corepressor; minus strand). Cytogenetic location: 8p21.3.
Variant type: Deletion.
Coding change: c.3199del on transcript NM_005144.5 (MANE Select); coding-DNA position 3199, one base deleted (C; older notation c.3199delC).
Protein change: p.Arg1067fs; shifts the reading frame from arginine 1067.
Molecular consequence: frameshift variant.
Genome position (GRCh38, 1-based): chr8:22,118,964, G deleted on the plus strand (C on the coding strand, the reverse complement: HR is on the minus strand); the first of 2 consecutive G bases (chr8:22,118,964-22,118,965); deleting either gives the same sequence. VCF-style (leftmost placement, unchanged base first): chr8-22118963-CG-C. GRCh37 (hg19) VCF-style: chr8-21976476-CG-C.
Other names: c.3199del, p.Arg1067fs (NM_018411.4); short protein forms R1067fs.
Identifiers: ClinVar variation 3393319 (VCV003393319.2).
Genomic context (GRCh38, chr8:22,118,963, plus strand): 5'-CTAGGGCTGGGCGGGGGGAAGGGGAGGGCTCCCGGCTGCCTCCTCACCATCTGGAGAAAG[CG>C]GCGGATGCGCTGGGCGTCCTGTGCCCGGAACACGTGCCACACAGTGCTGACCTGGCTGCC-3'